The following is an entry in ClinVar:

NM_201384.3(PLEC):c.2410C>T (p.Arg804Trp)

Gene: PLEC (plectin; minus strand). Cytogenetic location: 8q24.3.
Variant type: single nucleotide variant.
Coding change: c.2410C>T on transcript NM_201384.3 (MANE Select); coding-DNA position 2410, C replaced by T.
Protein change: p.Arg804Trp; replaces arginine 804 with tryptophan.
Molecular consequence: missense variant.
Genome position (GRCh38, 1-based): chr8:143,930,431, G>A on the plus strand (C>T on the coding strand, the complement: PLEC is on the minus strand). VCF-style: chr8-143930431-G-A. GRCh37 (hg19) VCF-style: chr8-145004599-G-A.
Other names: c.2491C>T, p.Arg831Trp (NM_000445.5); c.2368C>T, p.Arg790Trp (NM_201378.4); c.2344C>T, p.Arg782Trp (NM_201379.3); c.2821C>T, p.Arg941Trp (NM_201380.4); c.2314C>T, p.Arg772Trp (NM_201381.3); c.2410C>T, p.Arg804Trp (NM_201382.4); c.2422C>T, p.Arg808Trp (NM_201383.3); c.2491C>T (NM_000445.3); short protein forms R772W, R782W, R790W, R804W, R808W, R831W, R941W.
Identifiers: ClinVar variation 487334 (VCV000487334.18), dbSNP rs201194946, ClinGen allele CA4927548.

ClinVar aggregate classification (germline): Conflicting classifications of pathogenicity. Review status: criteria provided, conflicting classifications (1 of 4 stars). 7 submissions from 7 submitters: Uncertain significance (5); Likely benign (1). 1 of the submissions does not count toward it. Last evaluated 2026-01-18.

Conditions:
Epidermolysis bullosa simplex 5C, with pyloric atresia (EBS5C). Also called: PLEC-Related Epidermolysis Bullosa with Pyloric Atresia; Epidermolysis bullosa simplex with pyloric atresia; PLEC1-Related Epidermolysis Bullosa with Pyloric Atresia. Identifiers: Orphanet 158684, MedGen C2677349, MONDO:0012807, OMIM 612138.
Epidermolysis bullosa simplex, Ogna type (EBS5A). Also called: Pidermolysis bullosa simplex 5A, Ogna type; EPIDERMOLYSIS BULLOSA SIMPLEX 5A, OGNA TYPE. Identifiers: Orphanet 79401, MedGen C0432317, MONDO:0007555, OMIM 131950.
Epidermolysis bullosa simplex 5B, with muscular dystrophy (EBS5B). Also called: Epidermolysis bullosa simplex with muscular dystrophy; EPIDERMOLYSIS BULLOSA SIMPLEX AND LIMB-GIRDLE MUSCULAR DYSTROPHY. Identifiers: Orphanet 257, MedGen C2931072, MONDO:0009181, OMIM 226670.
Epidermolysis bullosa simplex with nail dystrophy (EBS5D). Identifiers: MedGen C4225309, MONDO:0014661, OMIM 616487.
Autosomal recessive limb-girdle muscular dystrophy type 2Q (LGMDR17). Also called: MUSCULAR DYSTROPHY, LIMB-GIRDLE, AUTOSOMAL RECESSIVE 17. Identifiers: Orphanet 254361, MedGen C3150989, MONDO:0013390, OMIM 613723.
Inborn genetic diseases. Identifiers: MedGen C0950123, MeSH D030342.

Allele frequency attached by ClinVar (database versions not stated): TOPMed 0.00010; gnomAD 0.00012; 1000 Genomes Project 0.00060; 1000 Genomes Project 30x 0.00094.
gnomAD v4.1: 264 of 1,573,544 alleles (0.017%); highest among the groups gnomAD compares: South Asian, 0.13%; 2 homozygotes.

Submissions (7):

Labcorp Genetics (formerly Invitae), Labcorp
Classification: Uncertain significance for Autosomal recessive limb-girdle muscular dystrophy type 2Q; Epidermolysis bullosa simplex, Ogna type; Epidermolysis bullosa simplex with nail dystrophy; Epidermolysis bullosa simplex 5C, with pyloric atresia; Epidermolysis bullosa simplex 5B, with muscular dystrophy. Last evaluated: 2026-01-18. Review status: criteria provided, single submitter. Criteria: Invitae Variant Classification Sherloc (09022015). Collection method: clinical testing. Allele origin: germline.
Comment: This sequence change replaces arginine, which is basic and polar, with tryptophan, which is neutral and slightly polar, at codon 831 of the PLEC protein (p.Arg831Trp). This variant is present in population databases (rs201194946, gnomAD 0.1%). This variant has not been reported in the literature in individuals affected with PLEC-related conditions. ClinVar contains an entry for this variant (Variation ID: 487334). Invitae Evidence Modeling of protein sequence and biophysical properties (such as structural, functional, and spatial information, amino acid conservation, physicochemical variation, residue mobility, and thermodynamic stability) indicates that this missense variant is not expected to disrupt PLEC protein function with a negative predictive value of 80%. In summary, the available evidence is currently insufficient to determine the role of this variant in disease. Therefore, it has been classified as a Variant of Uncertain Significance.

Blueprint Genetics
Classification: Likely benign. Last evaluated: 2024-09-23. Review status: criteria provided, single submitter. Criteria: ACMG Guidelines, 2015. Collection method: clinical testing. Allele origin: germline.

Ambry Genetics
Classification: Uncertain significance for Inborn genetic diseases. Last evaluated: 2024-04-23. Review status: criteria provided, single submitter. Criteria: Ambry Variant Classification Scheme 2023. Collection method: clinical testing. Allele origin: germline.

GeneDx
Classification: Uncertain significance. Last evaluated: 2023-11-07. Review status: criteria provided, single submitter. Criteria: GeneDx Variant Classification Process June 2021. Collection method: clinical testing. Allele origin: germline. Affected: yes.
Comment: In silico analysis supports that this missense variant has a deleterious effect on protein structure/function; Missense variant in a gene in which most reported pathogenic variants are truncating/loss of function; Has not been previously published as pathogenic or benign to our knowledge

Revvity Omics, Revvity
Classification: Uncertain significance. Last evaluated: 2023-03-27. Review status: criteria provided, single submitter. Criteria: ACMG Guidelines, 2015. Collection method: clinical testing. Allele origin: germline.

Eurofins Ntd Llc (ga)
Classification: Uncertain significance. Last evaluated: 2018-03-16. Review status: criteria provided, single submitter. Criteria: EGL ClinVar v180209 classification definitions. Collection method: clinical testing. Allele origin: germline. Observed: 4 variant alleles, 4 heterozygotes.

Department of Pathology and Laboratory Medicine, Sinai Health System
Classification: Uncertain significance. Review status: no assertion criteria provided. Collection method: clinical testing. Allele origin: unknown. Affected: yes. Study: The Canadian Open Genetics Repository (COGR). Not counted in ClinVar's aggregate classification.
Comment: The PLEC p.Arg831Trp variant was not identified in the literature but was identified in dbSNP (ID: rs201194946) and ClinVar (classified as uncertain significance by Invitae and EGL Genetics). The variant was identified in control databases in 43 of 209598 chromosomes at a frequency of 0.0002052 (Genome Aggregation Database March 6, 2019, v2.1.1). The variant was observed in the following populations: South Asian in 27 of 25362 chromosomes (freq: 0.001065), African in 9 of 18244 chromosomes (freq: 0.000493), Other in 2 of 5848 chromosomes (freq: 0.000342), Latino in 2 of 28652 chromosomes (freq: 0.00007) and European (non-Finnish) in 3 of 89142 chromosomes (freq: 0.000034), but was not observed in the Ashkenazi Jewish, East Asian, or European (Finnish) populations. The p.Arg831 residue is conserved in mammals and computational analyses (PolyPhen-2, SIFT, AlignGVGD, BLOSUM, MutationTaster) provide inconsistent predictions regarding the impact to the protein; this information is not very predictive of pathogenicity. The variant occurs outside of the splicing consensus sequence and in silico or computational prediction software programs (SpliceSiteFinder, MaxEntScan, NNSPLICE, GeneSplicer) do not predict a difference in splicing. In summary, based on the above information the clinical significance of this variant cannot be determined with certainty at this time. This variant is classified as a variant of uncertain significance.